The following is an entry in ClinVar:

NM_004341.5(CAD):c.4860+1G>T

Gene: CAD (carbamoyl-phosphate synthetase 2, aspartate transcarbamylase, and dihydroorotase; plus strand). Cytogenetic location: 2p23.3.
Variant type: single nucleotide variant.
Coding change: c.4860+1G>T on transcript NM_004341.5 (MANE Select); the canonical splice donor site of the intron after coding-DNA position 4860, G replaced by T.
Molecular consequence: splice donor variant.
Genome position (GRCh38, 1-based): chr2:27,238,188, G>T. VCF-style: chr2-27238188-G-T. GRCh37 (hg19) VCF-style: chr2-27461056-G-T.
Other names: c.4671+1G>T (NM_001306079.2).
Identifiers: ClinVar variation 2877695 (VCV002877695.3), dbSNP rs1676117112, ClinGen allele CA346221603.

ClinVar aggregate classification (germline): Likely pathogenic (1 of 4 stars; one submission).

Allele frequency attached by ClinVar (database versions not stated): TOPMed below 0.00001.

Submission:

Labcorp Genetics (formerly Invitae), Labcorp
Classification: Likely pathogenic. Last evaluated: 2023-05-31. Review status: criteria provided, single submitter. Criteria: Invitae Variant Classification Sherloc (09022015). Collection method: clinical testing. Allele origin: germline.
Comment: In summary, the currently available evidence indicates that the variant is pathogenic, but additional data are needed to prove that conclusively. Therefore, this variant has been classified as Likely Pathogenic. Algorithms developed to predict the effect of sequence changes on RNA splicing suggest that this variant may disrupt the consensus splice site. This variant has not been reported in the literature in individuals affected with CAD-related conditions. This variant is not present in population databases (gnomAD no frequency). This sequence change affects a donor splice site in intron 30 of the CAD gene. It is expected to disrupt RNA splicing. Variants that disrupt the donor or acceptor splice site typically lead to a loss of protein function (PMID: 16199547), and loss-of-function variants in CAD are known to be pathogenic (PMID: 28007989, 32117025, 32820246, 33497533).

Literature cited by the submitters: PubMed 16199547; PubMed 28007989; PubMed 32117025; PubMed 32820246; PubMed 33497533.